The following is an entry in ClinVar:

ClinVar aggregate classification (germline): Uncertain significance. Review status: criteria provided, multiple submitters, no conflicts (2 of 4 stars). 2 submissions from 2 submitters: Uncertain significance (2). Last evaluated 2023-12-14.

Conditions:
Inborn genetic diseases. Identifiers: MedGen C0950123, MeSH D030342.

gnomAD v4.1: 3 of 1,607,290 alleles (0.00019%); highest among the groups gnomAD compares: Admixed American, 0.0034%; no homozygotes.

Submissions (2):

Ambry Genetics
Classification: Uncertain significance for Inborn genetic diseases. Last evaluated: 2023-12-14. Review status: criteria provided, single submitter. Criteria: Ambry Variant Classification Scheme 2023. Collection method: clinical testing. Allele origin: germline.

Labcorp Genetics (formerly Invitae), Labcorp
Classification: Uncertain significance. Last evaluated: 2021-09-03. Review status: criteria provided, single submitter. Criteria: Invitae Variant Classification Sherloc (09022015). Collection method: clinical testing. Allele origin: germline.
Comment: This sequence change replaces proline with histidine at codon 46 of the AMH protein (p.Pro46His). The proline residue is moderately conserved and there is a moderate physicochemical difference between proline and histidine. This variant is present in population databases (rs766630178, ExAC 0.02%). This variant has not been reported in the literature in individuals affected with AMH-related conditions. Algorithms developed to predict the effect of missense changes on protein structure and function are either unavailable or do not agree on the potential impact of this missense change (SIFT: "Not Available"; PolyPhen-2: "Probably Damaging"; Align-GVGD: "Not Available"). In summary, the available evidence is currently insufficient to determine the role of this variant in disease. Therefore, it has been classified as a Variant of Uncertain Significance.

NM_000479.5(AMH):c.137C>A (p.Pro46His)

Gene: AMH (anti-Mullerian hormone; plus strand). Cytogenetic location: 19p13.3.
Variant type: single nucleotide variant.
Coding change: c.137C>A on transcript NM_000479.5 (MANE Select); coding-DNA position 137, C replaced by A.
Protein change: p.Pro46His; replaces proline 46 with histidine.
Molecular consequence: missense variant.
Genome position (GRCh38, 1-based): chr19:2,249,469, C>A. VCF-style: chr19-2249469-C-A. GRCh37 (hg19) VCF-style: chr19-2249468-C-A.
Other names: c.137C>A (NM_000479.3); short protein forms P46H.
Identifiers: ClinVar variation 1362631 (VCV001362631.7), dbSNP rs766630178, ClinGen allele CA9062745.